The following is an entry in ClinVar:

ClinVar aggregate classification (germline): Uncertain significance. Review status: criteria provided, multiple submitters, no conflicts (2 of 4 stars). 2 submissions from 2 submitters: Uncertain significance (2). Last evaluated 2025-05-30.

Submissions (2):

Labcorp Genetics (formerly Invitae), Labcorp
Classification: Uncertain significance. Last evaluated: 2025-05-30. Review status: criteria provided, single submitter. Criteria: Invitae Variant Classification Sherloc (09022015). Collection method: clinical testing. Allele origin: germline.
Comment: This sequence change replaces proline, which is neutral and non-polar, with alanine, which is neutral and non-polar, at codon 3043 of the KMT2A protein (p.Pro3043Ala). This variant is not present in population databases (gnomAD no frequency). This variant has not been reported in the literature in individuals affected with KMT2A-related conditions. ClinVar contains an entry for this variant (Variation ID: 1803581). Invitae Evidence Modeling of protein sequence and biophysical properties (such as structural, functional, and spatial information, amino acid conservation, physicochemical variation, residue mobility, and thermodynamic stability) indicates that this missense variant is not expected to disrupt KMT2A protein function with a negative predictive value of 95%. In summary, the available evidence is currently insufficient to determine the role of this variant in disease. Therefore, it has been classified as a Variant of Uncertain Significance.

GeneDx
Classification: Uncertain significance. Last evaluated: 2022-06-09. Review status: criteria provided, single submitter. Criteria: GeneDx Variant Classification Process June 2021. Collection method: clinical testing. Allele origin: germline. Affected: yes.
Comment: Not observed at significant frequency in large population cohorts (gnomAD); In silico analysis supports that this missense variant has a deleterious effect on protein structure/function; Has not been previously published as pathogenic or benign to our knowledge

NM_001197104.2(KMT2A):c.9127C>G (p.Pro3043Ala)

Gene: KMT2A (lysine methyltransferase 2A; plus strand). Cytogenetic location: 11q23.3.
Variant type: single nucleotide variant.
Coding change: c.9127C>G on transcript NM_001197104.2 (MANE Select); coding-DNA position 9127, C replaced by G.
Protein change: p.Pro3043Ala; replaces proline 3043 with alanine.
Molecular consequence: missense variant.
Genome position (GRCh38, 1-based): chr11:118,505,019, C>G. VCF-style: chr11-118505019-C-G. GRCh37 (hg19) VCF-style: chr11-118375734-C-G.
Other names: c.9217C>G, p.Pro3073Ala (NM_001412597.1); c.9118C>G, p.Pro3040Ala (NM_005933.4); short protein forms P3040A, P3043A, P3073A.
Identifiers: ClinVar variation 1803581 (VCV001803581.2), dbSNP rs2134403193, ClinGen allele CA382818510.
Genomic context (GRCh38, chr11:118,505,019, plus strand): 5'-CAGGATTTAACTAGGAACAGTAGCACCCCTGGCCTTCAGGTACCTGTTTCCCCAACTGTT[C>G]CCATCCAGAACCAGAAGTATGTGCCCAATTCTACTGATAGTCCTGGCCCGTCTCAGATTT-3'
Protein context (NP_001184033.1, residues 3033-3053): GLQVPVSPTV[Pro3043Ala]IQNQKYVPNS